The following is an entry in ClinVar:

ClinVar aggregate classification (germline): Pathogenic. Review status: criteria provided, multiple submitters, no conflicts (2 of 4 stars). 2 submissions from 2 submitters: Pathogenic (2). Last evaluated 2025-08-08.

Conditions:
Cystic fibrosis (CF). Also called: MUCOVISCIDOSIS. Identifiers: Orphanet 586, MedGen C0010674, MONDO:0009061, OMIM 219700. Disease mechanism: loss of function.

Submissions (2):

Ambry Genetics
Classification: Pathogenic for Cystic fibrosis. Last evaluated: 2025-08-08. Review status: criteria provided, single submitter. Criteria: Ambry Variant Classification Scheme 2023. Collection method: clinical testing. Allele origin: germline.
Comment: The p.L867* pathogenic mutation (also known as c.2600T>G), located in coding exon 15 of the CFTR gene, results from a T to G substitution at nucleotide position 2600. This changes the amino acid from a leucine to a stop codon within coding exon 15. This variant is considered to be rare based on population cohorts in the Genome Aggregation Database (gnomAD). This alteration is expected to result in loss of function by premature protein truncation or nonsense-mediated mRNA decay. As such, this alteration is interpreted as a disease-causing mutation.

Clinical Molecular Genetics Laboratory, Johns Hopkins All Children's Hospital
Classification: Pathogenic for Cystic fibrosis. Last evaluated: 2019-07-15. Review status: criteria provided, single submitter. Criteria: ACMG Guidelines, 2015. Collection method: clinical testing. Allele origin: germline. Inheritance: Autosomal recessive inheritance. Affected: yes. Observed: 1 compound heterozygote.

NM_000492.4(CFTR):c.2600T>G (p.Leu867Ter)

Gene: CFTR (CF transmembrane conductance regulator; plus strand). Cytogenetic location: 7q31.2.
Variant type: single nucleotide variant.
Coding change: c.2600T>G on transcript NM_000492.4 (MANE Select); coding-DNA position 2600, T replaced by G.
Protein change: p.Leu867Ter; replaces leucine 867 with a stop codon.
Molecular consequence: nonsense.
Genome position (GRCh38, 1-based): chr7:117,595,039, T>G. VCF-style: chr7-117595039-T-G. GRCh37 (hg19) VCF-style: chr7-117235093-T-G.
Other names: short protein forms L867*.
Identifiers: ClinVar variation 694035 (VCV000694035.2), dbSNP rs397508404, ClinGen allele CA368984044.